The following is an entry in ClinVar:

ClinVar aggregate classification (germline): Likely benign (1 of 4 stars; one submission).

Conditions:
Nestor-Guillermo progeria syndrome (NGPS). Also called: PROGERIA SYNDROME, CHILDHOOD-ONSET, WITH OSTEOLYSIS. Identifiers: Orphanet 280576, MedGen C3151446, MONDO:0013523, OMIM 614008.

Allele frequency attached by ClinVar (database versions not stated): gnomAD 0.00261 and 0.00271; 1000 Genomes Project 30x 0.00328; 1000 Genomes Project 0.00379; TOPMed 0.00291.

Submission:

Illumina Laboratory Services, Illumina
Classification: Likely benign for Nestor-Guillermo progeria syndrome. Last evaluated: 2018-01-12. Review status: criteria provided, single submitter. Criteria: ICSL Variant Classification Criteria 13 December 2019. Collection method: clinical testing. Allele origin: germline.
Comment: This variant was observed in the ICSL laboratory as part of a predisposition screen in an ostensibly healthy population. It had not been previously curated by ICSL or reported in the Human Gene Mutation Database (HGMD: prior to June 1st, 2018), and was therefore a candidate for classification through an automated scoring system. Utilizing variant allele frequency, disease prevalence and penetrance estimates, and inheritance mode, an automated score was calculated to assess if this variant is too frequent to cause the disease. Based on the score and internal cut-off values, a variant classified as likely benign is not then subjected to further curation. The score for this variant resulted in a classification of likely benign for this disease.

NM_001143985.1(BANF1):c.-297G>A

Gene: BANF1 (barrier to autointegration nuclear assembly factor 1; plus strand). Cytogenetic location: 11q13.1.
Variant type: single nucleotide variant.
Coding change: c.-297G>A on transcript NM_001143985.1; 297 bases upstream of the start codon, G replaced by A.
Genome position (GRCh38, 1-based): chr11:66,002,233, G>A. VCF-style: chr11-66002233-G-A. GRCh37 (hg19) VCF-style: chr11-65769704-G-A.
Identifiers: ClinVar variation 305397 (VCV000305397.7), dbSNP rs141605220, ClinGen allele CA10639044.
Genomic context (GRCh38, chr11:66,002,233, plus strand): 5'-GAGGCCTCCCGTCCCCTCCCTTGTCCGTCTTCTAACTCTTCCCCACGCCAGGTCCGTCAA[G>A]CCTAAGTCCTTGAGTTCCGGGTCCGGGCAGCAGAGAAAGGAAGTCCTCTCCCTGGAGGCC-3'